The following is an entry in ClinVar:

ClinVar aggregate classification (germline): Likely benign. Review status: criteria provided, multiple submitters, no conflicts (2 of 4 stars). 2 submissions from 2 submitters: Likely benign (2). Last evaluated 2024-11-26.

Allele frequency attached by ClinVar (database versions not stated): 1000 Genomes Project 0.00020; 1000 Genomes Project 30x 0.00031; ExAC 0.00050; ESP Exome Variant Server 0.00050; gnomAD 0.00052.
gnomAD v4.1: 1,394 of 1,611,138 alleles (0.087%); highest among the groups gnomAD compares: Non-Finnish European, 0.11%; 2 homozygotes.

Submissions (2):

Blueprint Genetics
Classification: Likely benign. Last evaluated: 2024-11-26. Review status: criteria provided, single submitter. Criteria: ACMG Guidelines, 2015. Collection method: clinical testing. Allele origin: germline.

CeGaT Center for Human Genetics Tuebingen
Classification: Likely benign. Last evaluated: 2024-11-01. Review status: criteria provided, single submitter. Criteria: CeGaT Center For Human Genetics Tuebingen Variant Classification Criteria Version 2. Collection method: clinical testing. Allele origin: germline. Affected: yes. Observed: 3 variant alleles.
Comment: ABCA2: BP4, BP7

NM_001606.5(ABCA2):c.1941G>A (p.Gly647=)

Gene: ABCA2 (ATP binding cassette subfamily A member 2; minus strand). Cytogenetic location: 9q34.3.
Variant type: single nucleotide variant.
Coding change: c.1941G>A on transcript NM_001606.5 (MANE Select); coding-DNA position 1941, G replaced by A.
Protein change: p.Gly647=; no amino-acid change (glycine 647 retained).
Molecular consequence: synonymous variant.
Genome position (GRCh38, 1-based): chr9:137,018,230, C>T on the plus strand (G>A on the coding strand, the complement: ABCA2 is on the minus strand). VCF-style: chr9-137018230-C-T. GRCh37 (hg19) VCF-style: chr9-139912682-C-T.
Other names: c.1938G>A, p.Gly646= (NM_001411042.1); c.2031G>A, p.Gly677= (NM_212533.3).
Identifiers: ClinVar variation 2659785 (VCV002659785.25), dbSNP rs200856142, ClinGen allele CA5355273.
Genomic context (GRCh38, chr9:137,018,230, plus strand): 5'-CTCCTCACCCTGGATCCAGACGAAGCCGTAGAGGAAGTAGAAGCGGCCGCCAGTATTGGG[C>T]CCAGGCCGCCAGTAGGCGCGGCGGATCTCGTTGGTTTTCTCGGTGAAGCTGGAGTTCTGG-3'
Protein context (NP_001597.2, residues 637-657): NEIRRAYWRP[Gly647=]PNTGGRFYFL